The following is an entry in ClinVar:

ClinVar aggregate classification (germline): Uncertain significance. Review status: criteria provided, multiple submitters, no conflicts (2 of 4 stars). 2 submissions from 2 submitters: Uncertain significance (2). Last evaluated 2026-04-07.

Conditions:
Inborn genetic diseases. Identifiers: MedGen C0950123, MeSH D030342.
Developmental delay, impaired speech, and behavioral abnormalities, with or without seizures (DEDISB). Identifiers: MedGen C5575272, MONDO:0859263, OMIM 619964.

gnomAD v4.1: 12 of 1,611,748 alleles (0.00074%); highest among the groups gnomAD compares: South Asian, 0.0011%; no homozygotes.

Submissions (2):

Clinical Genomics Laboratory, Washington University in St. Louis
Classification: Uncertain significance for Developmental delay, impaired speech, and behavioral abnormalities, with or without seizures. Last evaluated: 2026-04-07. Review status: criteria provided, single submitter. Criteria: ACMG Guidelines, 2015. Collection method: clinical testing. Allele origin: germline.
Comment: The ARFGEF1 c.4457A>G (p.Tyr1486Cys) variant, to our knowledge, has not been reported in the medical literature. This variant is only observed in 2/249,642 alleles in the general population (gnomAD v2.1.1), indicating it is not a common variant. Computational predictors are uncertain as to the impact of this variant on ARFGEF1 function. Due to limited information, and based on ACMG/AMP guidelines for variant interpretation (Richards S et al., PMID: 25741868), the clinical significance of this variant is uncertain at this time.

Ambry Genetics
Classification: Uncertain significance for Inborn genetic diseases. Last evaluated: 2025-12-10. Review status: criteria provided, single submitter. Criteria: Ambry Variant Classification Scheme 2023. Collection method: clinical testing. Allele origin: germline.

NM_006421.5(ARFGEF1):c.4457A>G (p.Tyr1486Cys)

Gene: ARFGEF1 (ARF guanine nucleotide exchange factor 1; minus strand). Cytogenetic location: 8q13.2.
Variant type: single nucleotide variant.
Coding change: c.4457A>G on transcript NM_006421.5 (MANE Select); coding-DNA position 4457, A replaced by G.
Protein change: p.Tyr1486Cys; replaces tyrosine 1486 with cysteine.
Molecular consequence: missense variant. On other transcripts: non-coding transcript variant (1).
Genome position (GRCh38, 1-based): chr8:67,218,020, T>C on the plus strand (A>G on the coding strand, the complement: ARFGEF1 is on the minus strand). VCF-style: chr8-67218020-T-C. GRCh37 (hg19) VCF-style: chr8-68130255-T-C.
Other names: c.4457A>G, p.Tyr1486Cys (NM_001413184.1, NM_001413185.1, NM_001413186.1 and 5 more transcripts); c.3857A>G, p.Tyr1286Cys (NM_001413188.1, NM_001413193.1, NM_001413197.1); c.4451A>G, p.Tyr1484Cys (NM_001413190.1); c.3032A>G, p.Tyr1011Cys (NM_001413196.1); short protein forms Y1011C, Y1484C, Y1286C, Y1486C.
Identifiers: ClinVar variation 4583602 (VCV004583602.2).